The following is an entry in ClinVar:

NM_052989.3(IFT122):c.1103G>A (p.Ser368Asn)

Gene: IFT122 (intraflagellar transport 122; plus strand). Cytogenetic location: 3q21.3.
Variant type: single nucleotide variant.
Coding change: c.1103G>A on transcript NM_052989.3 (MANE Select); coding-DNA position 1103, G replaced by A.
Protein change: p.Ser368Asn; replaces serine 368 with asparagine.
Molecular consequence: missense variant.
Genome position (GRCh38, 1-based): chr3:129,476,757, G>A. VCF-style: chr3-129476757-G-A. GRCh37 (hg19) VCF-style: chr3-129195600-G-A.
Other names: p.Ser419Asn; c.1256G>A, p.Ser419Asn (NM_052985.4); c.770G>A, p.Ser257Asn (NM_052990.3); c.1079G>A, p.Ser360Asn (NM_001280541.2); c.653G>A, p.Ser218Asn (NM_001280545.2); c.476G>A, p.Ser159Asn (NM_001280546.2); c.926G>A, p.Ser309Asn (NM_018262.4); short protein forms S419N, S218N, S309N, S360N, S368N, S159N, S257N.
Identifiers: ClinVar variation 194126 (VCV000194126.54), dbSNP rs150550701, ClinGen allele CA200972.
Genomic context (GRCh38, chr3:129,476,757, plus strand): 5'-ACCAGCTTATTTTCAGCACAGTCCATGGGCTTTACAAGGACCGCTATGCCTACAGGGATA[G>A]CATGACTGACGTCATTGTGCAGCACCTGATCACTGAGCAGAAAGGTAAGAGGCAGGTCCA-3'
Protein context (NP_443715.1, residues 358-378): LYKDRYAYRD[Ser368Asn]MTDVIVQHLI

ClinVar aggregate classification (germline): Benign/Likely benign. Review status: criteria provided, multiple submitters, no conflicts (2 of 4 stars). 12 submissions from 12 submitters: Benign (4); Likely benign (6). 2 of the submissions do not count toward it. Last evaluated 2026-08-01.

Conditions:
Connective tissue disorder. Also called: Connective tissue disease. Identifiers: MedGen C0009782, MONDO:0003900.
Cranioectodermal dysplasia 1 (CED1). Also called: LEVIN SYNDROME I. Identifiers: Orphanet 1515, MedGen C0432235, MONDO:0021093, OMIM 218330.
Rod-cone dystrophy. Identifiers: MedGen C4551714, HP:0000510.

Allele frequency attached by ClinVar (database versions not stated): ESP Exome Variant Server 0.00115; gnomAD 0.00133 and 0.00165; TOPMed 0.00145; gnomAD exomes 0.00216 and 0.00294; ExAC 0.00321; 1000 Genomes Project 30x 0.00547; 1000 Genomes Project 0.00559.
gnomAD v4.1: 3,403 of 1,614,196 alleles (0.21%); highest among the groups gnomAD compares: East Asian, 0.91%; 22 homozygotes.

Submissions (12):

CeGaT Center for Human Genetics Tuebingen
Classification: Likely benign. Last evaluated: 2026-08-01. Review status: criteria provided, single submitter. Criteria: CeGaT Center For Human Genetics Tuebingen Variant Classification Criteria Version 2. Collection method: clinical testing. Allele origin: germline. Affected: yes. Observed: 6 variant alleles.
Comment: IFT122: BS2

Labcorp Genetics (formerly Invitae), Labcorp
Classification: Benign for Cranioectodermal dysplasia 1. Last evaluated: 2026-02-01. Review status: criteria provided, single submitter. Criteria: Invitae Variant Classification Sherloc (09022015). Collection method: clinical testing. Allele origin: germline.

Mayo Clinic Laboratories, Mayo Clinic
Classification: Likely benign. Last evaluated: 2025-03-05. Review status: criteria provided, single submitter. Criteria: ACMG Guidelines, 2015. Collection method: clinical testing. Allele origin: germline. Observed: 1 variant allele.
Comment: BS1, BP4_moderate

Fulgent Genetics
Classification: Likely benign for Cranioectodermal dysplasia 1. Last evaluated: 2021-08-23. Review status: criteria provided, single submitter. Criteria: ACMG Guidelines, 2015. Collection method: clinical testing. Allele origin: unknown.

Ocular Genomics Institute, Massachusetts Eye and Ear
Classification: Likely benign for Rod-cone dystrophy. Last evaluated: 2021-04-08. Review status: criteria provided, single submitter. Criteria: ACMG Guidelines, 2015. Collection method: research. Allele origin: germline. Affected: yes.
Comment: Through a review of available evidence we were able to apply the following criteria: BS1, BP4. Based on this evidence we have classified this variant as Likely Benign.

Genome Diagnostics Laboratory, The Hospital for Sick Children
Classification: Likely benign for Connective tissue disorder. Last evaluated: 2019-06-01. Review status: criteria provided, single submitter. Criteria: ACMG Guidelines, 2015. Collection method: clinical testing. Allele origin: germline.

Illumina Laboratory Services, Illumina
Classification: Benign for Cranioectodermal dysplasia 1. Last evaluated: 2018-01-13. Review status: criteria provided, single submitter. Criteria: ICSL Variant Classification Criteria 13 December 2019. Collection method: clinical testing. Allele origin: germline.
Comment: This variant was observed in the ICSL laboratory as part of a predisposition screen in an ostensibly healthy population. It had not been previously curated by ICSL or reported in the Human Gene Mutation Database (HGMD: prior to June 1st, 2018), and was therefore a candidate for classification through an automated scoring system. Utilizing variant allele frequency, disease prevalence and penetrance estimates, and inheritance mode, an automated score was calculated to assess if this variant is too frequent to cause the disease. Based on the score and internal cut-off values, a variant classified as benign is not then subjected to further curation. The score for this variant resulted in a classification of benign for this disease.

Genetic Services Laboratory, University of Chicago
Classification: Benign. Last evaluated: 2017-08-08. Review status: criteria provided, single submitter. Criteria: ACMG Guidelines, 2015. Collection method: clinical testing. Allele origin: germline. Affected: no.

Eurofins Ntd Llc (ga)
Classification: Benign. Last evaluated: 2014-12-12. Review status: criteria provided, single submitter. Criteria: EGL Classification Definitions 2015. Collection method: clinical testing. Allele origin: germline. Observed: 1 variant allele, 1 heterozygote.

Breakthrough Genomics
Classification: Likely benign. Review status: criteria provided, single submitter. Criteria: ACMG Guidelines, 2015. Collection method: not provided. Allele origin: germline. Inheritance: Autosomal recessive inheritance. Affected: yes.

Clinical Genetics DNA and cytogenetics Diagnostics Lab, Erasmus MC, Erasmus Medical Center
Classification: Likely benign. Review status: no assertion criteria provided. Collection method: clinical testing. Allele origin: germline. Affected: yes. Study: VKGL Data-share Consensus. Not counted in ClinVar's aggregate classification.

Laboratory of Diagnostic Genome Analysis, Leiden University Medical Center (LUMC)
Classification: Likely benign. Review status: no assertion criteria provided. Collection method: clinical testing. Allele origin: germline. Affected: yes. Study: VKGL Data-share Consensus. Not counted in ClinVar's aggregate classification.